The following is an entry in ClinVar:

NM_001376.5(DYNC1H1):c.6406-23_6471del

Gene: DYNC1H1 (dynein cytoplasmic 1 heavy chain 1; plus strand). Cytogenetic location: 14q32.31.
Variant type: Deletion.
Coding change: c.6406-23_6471del on transcript NM_001376.5 (MANE Select); 23 bases into the intron before coding-DNA position 6406 through coding-DNA position 6471, 89 bases deleted.
Molecular consequence: splice acceptor variant.
Genome position (GRCh38, 1-based): chr14:102,010,717-102,010,805, 89 bases deleted. GRCh37 (hg19): chr14:102,477,054-102,477,142.
Identifiers: ClinVar variation 3640475 (VCV003640475.2).

ClinVar aggregate classification (germline): Uncertain significance (1 of 4 stars; one submission).

Conditions:
Charcot-Marie-Tooth disease axonal type 2O. Also called: CHARCOT-MARIE-TOOTH NEUROPATHY, AXONAL, TYPE 2O; CHARCOT-MARIE-TOOTH DISEASE, AXONAL, AUTOSOMAL DOMINANT, TYPE 2O; Charcot-Marie-Tooth Neuropathy Type 2O; Charcot-Marie-Tooth disease, axonal, type 20. Identifiers: Orphanet 284232, MedGen C3280220, MONDO:0013644, OMIM 614228.

Submission:

Labcorp Genetics (formerly Invitae), Labcorp
Classification: Uncertain significance for Charcot-Marie-Tooth disease axonal type 2O. Last evaluated: 2024-02-13. Review status: criteria provided, single submitter. Criteria: Invitae Variant Classification Sherloc (09022015). Collection method: clinical testing. Allele origin: germline.
Comment: This variant results in the deletion of part of exon 32 (c.6406-23_6471del ) of the DYNC1H1 gene. It is expected to disrupt RNA splicing. Variants that disrupt the donor or acceptor splice site typically lead to a loss of protein function (PMID: 16199547), however the current clinical and genetic evidence is not sufficient to establish whether loss-of-function variants in DYNC1H1 cause disease. This variant is not present in population databases (gnomAD no frequency). This variant has not been reported in the literature in individuals affected with DYNC1H1-related conditions. In summary, the available evidence is currently insufficient to determine the role of this variant in disease. Therefore, it has been classified as a Variant of Uncertain Significance.

Literature cited by the submitters: PubMed 16199547.